The following is an entry in ClinVar:

NM_001035.3(RYR2):c.4683+1G>A

Gene: RYR2 (ryanodine receptor 2; plus strand). Cytogenetic location: 1q43.
Variant type: single nucleotide variant.
Coding change: c.4683+1G>A on transcript NM_001035.3 (MANE Select); the canonical splice donor site of the intron after coding-DNA position 4683, G replaced by A.
Molecular consequence: splice donor variant.
Genome position (GRCh38, 1-based): chr1:237,602,112, G>A. VCF-style: chr1-237602112-G-A. GRCh37 (hg19) VCF-style: chr1-237765412-G-A.
Identifiers: ClinVar variation 3385727 (VCV003385727.1).
Genomic context (GRCh38, chr1:237,602,112, plus strand): 5'-GCGGTTTTTGCACAAGCTACAAGTCCCAATGTTTTCCAGTTTGAGTTGGGAAGAATAAAG[G>A]TAATAAAACTTATTCCTGGTATTGTATTTGTATTTTTTCTATTAGGATATAGCATTGATT-3'

ClinVar aggregate classification (germline): Uncertain significance (1 of 4 stars; one submission).

Conditions:
Catecholaminergic polymorphic ventricular tachycardia (CVPT). Also called: Catecholamine-induced polymorphic ventricular tachycardia. Identifiers: Orphanet 3286, MedGen C5574922, MONDO:0017990.

Submission:

All of Us Research Program, National Institutes of Health
Classification: Uncertain significance for Catecholaminergic polymorphic ventricular tachycardia. Last evaluated: 2024-07-29. Review status: criteria provided, single submitter. Criteria: ACMG Guidelines, 2015. Collection method: clinical testing. Allele origin: germline. Inheritance: Autosomal dominant inheritance. Observed: 1 variant allele, 1 heterozygote.
Comment: This variant results in the G to A substitution at +1 position in intron 35 of the RYR2 gene. To our knowledge, functional studies have not been reported for this variant. This variant has not been reported in individuals affected with RYR2-related disorders in the literature. This variant has not been identified in the general population by the Genome Aggregation Database (gnomAD). The available evidence is insufficient to determine the role of this variant in disease conclusively. Therefore, this variant is classified as a Variant of Uncertain Significance.

This study involves interpretation of variants in research participants for the purpose of population health screening. Participant phenotype was not available at the time of variant classification. Additional details can be found in publication PMID: 35346344, PMCID: PMC8962531